The following is an entry in ClinVar:

NM_006231.4(POLE):c.3921C>A (p.Ile1307=)

Gene: POLE (DNA polymerase epsilon, catalytic subunit; minus strand). Cytogenetic location: 12q24.33.
Variant type: single nucleotide variant.
Coding change: c.3921C>A on transcript NM_006231.4 (MANE Select); coding-DNA position 3921, C replaced by A.
Protein change: p.Ile1307=; no amino-acid change (isoleucine 1307 retained).
Molecular consequence: synonymous variant.
Genome position (GRCh38, 1-based): chr12:132,649,390, G>T on the plus strand (C>A on the coding strand, the complement: POLE is on the minus strand). VCF-style: chr12-132649390-G-T. GRCh37 (hg19) VCF-style: chr12-133225976-G-T.
Identifiers: ClinVar variation 512576 (VCV000512576.6), dbSNP rs1555223944, ClinGen allele CA482849245.

ClinVar aggregate classification (germline): Likely benign. Review status: criteria provided, multiple submitters, no conflicts (2 of 4 stars). 3 submissions from 3 submitters: Likely benign (3). Last evaluated 2026-05-24.

Conditions:
Hereditary cancer-predisposing syndrome. Also called: Tumor predisposition; Hereditary neoplastic syndrome; Neoplastic Syndromes, Hereditary; Hereditary Cancer Syndrome. Identifiers: Orphanet 140162, MedGen C0027672, MeSH D009386, MONDO:0015356.

gnomAD v4.1: 1 of 1,613,324 alleles (0.000062%); highest among the groups gnomAD compares: African/African-American, 0.0013%; no homozygotes.

Submissions (3):

Ambry Genetics
Classification: Likely benign for Hereditary cancer-predisposing syndrome. Last evaluated: 2026-05-24. Review status: criteria provided, single submitter. Criteria: Ambry Variant Classification Scheme 2023. Collection method: clinical testing. Allele origin: germline.

Labcorp Genetics (formerly Invitae), Labcorp
Classification: Likely benign. Last evaluated: 2025-03-09. Review status: criteria provided, single submitter. Criteria: Invitae Variant Classification Sherloc (09022015). Collection method: clinical testing. Allele origin: germline.

GeneDx
Classification: Likely benign. Last evaluated: 2017-10-06. Review status: criteria provided, single submitter. Criteria: GeneDx Variant Classification (06012015). Collection method: clinical testing. Allele origin: germline. Affected: yes.
Comment: This variant is considered likely benign or benign based on one or more of the following criteria: it is a conservative change, it occurs at a poorly conserved position in the protein, it is predicted to be benign by multiple in silico algorithms, and/or has population frequency not consistent with disease.